The following is an entry in ClinVar:

ClinVar aggregate classification (germline): Pathogenic/Likely pathogenic. Review status: criteria provided, multiple submitters, no conflicts (2 of 4 stars). 4 submissions from 4 submitters: Pathogenic (1); Likely pathogenic (3). Last evaluated 2025-08-26.

Conditions:
Glutaric acidemia type 2C.
Multiple acyl-CoA dehydrogenase deficiency (MADD). Also called: ETHYLMALONIC-ADIPICACIDURIA; GA II; Glutaric aciduria, type 2; Glutaric acidemia type II; GA 2; Glutaric Acidemia type 2. Identifiers: Orphanet 26791, MedGen C0268596, MONDO:0009282, OMIM 231680.

Allele frequency attached by ClinVar (database versions not stated): ExAC 0.00001; gnomAD 0.00001; gnomAD exomes 0.00001; TOPMed 0.00001.

Submissions (4):

Natera, Inc.
Classification: Likely pathogenic for Glutaric acidemia type 2C. Last evaluated: 2025-08-26. Review status: criteria provided, single submitter. Criteria: Natera Variant Classification Schema (03/2026). Collection method: clinical testing. Allele origin: germline.
Comment: The c.643G>A variant in ETFDH is a missense variant predicted to cause substitution of alanine to threonine at amino acid 215. This variant is rare in the general population with a frequency below the threshold expected for the associated phenotype(s). This variant has been observed in one or more individuals affected with the associated recessive disease, as either homozygous or compound heterozygous with a second variant (PMID: 21347544, 34704421). Computational prediction algorithms indicate this variant is likely to affect gene or protein function. Given the available evidence, this variant is classified as Likely Pathogenic.

Fulgent Genetics
Classification: Likely pathogenic for Multiple acyl-CoA dehydrogenase deficiency. Last evaluated: 2024-05-21. Review status: criteria provided, single submitter. Criteria: ACMG Guidelines, 2015. Collection method: clinical testing. Allele origin: germline.

Baylor Genetics
Classification: Likely pathogenic for Multiple acyl-CoA dehydrogenase deficiency. Last evaluated: 2024-02-18. Review status: criteria provided, single submitter. Criteria: ACMG Guidelines, 2015. Collection method: clinical testing. Allele origin: unknown.

Labcorp Genetics (formerly Invitae), Labcorp
Classification: Pathogenic for Multiple acyl-CoA dehydrogenase deficiency. Last evaluated: 2023-04-20. Review status: criteria provided, single submitter. Criteria: Invitae Variant Classification Sherloc (09022015). Collection method: clinical testing. Allele origin: germline.
Comment: Advanced modeling of protein sequence and biophysical properties (such as structural, functional, and spatial information, amino acid conservation, physicochemical variation, residue mobility, and thermodynamic stability) performed at Invitae indicates that this missense variant is expected to disrupt ETFDH protein function. For these reasons, this variant has been classified as Pathogenic. ClinVar contains an entry for this variant (Variation ID: 2203583). This missense change has been observed in individual(s) with multiple acyl-CoA dehydrogenase deficiency (PMID: 21347544, 34704421). In at least one individual the data is consistent with being in trans (on the opposite chromosome) from a pathogenic variant. This variant is present in population databases (rs755214552, gnomAD 0.04%). This sequence change replaces alanine, which is neutral and non-polar, with threonine, which is neutral and polar, at codon 215 of the ETFDH protein (p.Ala215Thr).

Literature cited by the submitters: PubMed 21347544 (cited by Natera, Inc. and Labcorp Genetics (formerly Invitae), Labcorp); PubMed 34704421 (cited by Natera, Inc. and Labcorp Genetics (formerly Invitae), Labcorp).

NM_004453.4(ETFDH):c.643G>A (p.Ala215Thr)

Gene: ETFDH (electron transfer flavoprotein dehydrogenase; plus strand). Cytogenetic location: 4q32.1.
Variant type: single nucleotide variant.
Coding change: c.643G>A on transcript NM_004453.4 (MANE Select); coding-DNA position 643, G replaced by A.
Protein change: p.Ala215Thr; replaces alanine 215 with threonine.
Molecular consequence: missense variant.
Genome position (GRCh38, 1-based): chr4:158,690,384, G>A. VCF-style: chr4-158690384-G-A. GRCh37 (hg19) VCF-style: chr4-159611536-G-A.
Other names: c.502G>A, p.Ala168Thr (NM_001281737.2); c.460G>A, p.Ala154Thr (NM_001281738.1); c.643G>A (NM_004453.3); short protein forms A154T, A215T, A168T.
Identifiers: ClinVar variation 2203583 (VCV002203583.8), dbSNP rs755214552, ClinGen allele CA3122422.